The following is an entry in ClinVar:

ClinVar aggregate classification (germline): Uncertain significance (1 of 4 stars; one submission).

Conditions:
Joubert syndrome 21 (JBTS21). Identifiers: MedGen C3810212, MONDO:0014288, OMIM 615636.

Allele frequency attached by ClinVar (database versions not stated): gnomAD 0.00001; gnomAD exomes 0.00002; ExAC 0.00004; ESP Exome Variant Server 0.00008; 1000 Genomes Project 30x 0.00016; 1000 Genomes Project 0.00020.
gnomAD v4.1: 25 of 1,604,752 alleles (0.0016%); highest among the groups gnomAD compares: South Asian, 0.0022%; no homozygotes.

Submission:

Labcorp Genetics (formerly Invitae), Labcorp
Classification: Uncertain significance for Joubert syndrome 21. Last evaluated: 2021-08-14. Review status: criteria provided, single submitter. Criteria: Invitae Variant Classification Sherloc (09022015). Collection method: clinical testing. Allele origin: germline.
Comment: This sequence change replaces arginine with glutamine at codon 716 of the CSPP1 protein (p.Arg716Gln). The arginine residue is highly conserved and there is a small physicochemical difference between arginine and glutamine. This variant is present in population databases (rs201974031, ExAC 0.01%). This variant has not been reported in the literature in individuals affected with CSPP1-related conditions. Algorithms developed to predict the effect of missense changes on protein structure and function are either unavailable or do not agree on the potential impact of this missense change (SIFT: "Tolerated"; PolyPhen-2: "Possibly Damaging"; Align-GVGD: "Class C0"). Algorithms developed to predict the effect of sequence changes on RNA splicing suggest that this variant may create or strengthen a splice site. In summary, the available evidence is currently insufficient to determine the role of this variant in disease. Therefore, it has been classified as a Variant of Uncertain Significance.

NM_001382391.1(CSPP1):c.2162G>A (p.Arg721Gln)

Gene: CSPP1 (centrosome and spindle pole associated protein 1; plus strand). Cytogenetic location: 8q13.2.
Variant type: single nucleotide variant.
Coding change: c.2162G>A on transcript NM_001382391.1 (MANE Select); coding-DNA position 2162, G replaced by A.
Protein change: p.Arg721Gln; replaces arginine 721 with glutamine.
Molecular consequence: missense variant.
Genome position (GRCh38, 1-based): chr8:67,154,057, G>A. VCF-style: chr8-67154057-G-A. GRCh37 (hg19) VCF-style: chr8-68066292-G-A.
Other names: c.1112G>A, p.Arg371Gln (NM_001291339.2); c.2081G>A, p.Arg694Gln (NM_001363131.2); c.1967G>A, p.Arg656Gln (NM_001363132.2); c.1886G>A, p.Arg629Gln (NM_001363133.2); c.2228G>A, p.Arg743Gln (NM_001364869.1); c.2048G>A, p.Arg683Gln (NM_001364870.1); c.2147G>A, p.Arg716Gln (NM_024790.7); short protein forms R683Q, R743Q, R629Q, R716Q, R371Q, R694Q, R721Q, R656Q.
Identifiers: ClinVar variation 1377038 (VCV001377038.5), dbSNP rs201974031, ClinGen allele CA4770771.
Genomic context (GRCh38, chr8:67,154,057, plus strand): 5'-ATGTTTTTGCAAAATATTTCTTTCAAGGTCATATGCAAACACAGAGCTCTCCTTTTGCTC[G>A]GGGAAATGTATTTGGTGAGCCTCCAACTGAACTTCAGATTAAACAGCAAGAATTATACAA-3'
Protein context (NP_001369320.1, residues 711-731): HMQTQSSPFA[Arg721Gln]GNVFGEPPTE